The following is an entry in ClinVar:

ClinVar aggregate classification (germline): Pathogenic (1 of 4 stars; one submission).

Conditions:
Neurofibromatosis, type 1 (NF1). Also called: VON RECKLINGHAUSEN DISEASE; Peripheral type neurofibromatosis; NEUROFIBROMATOSIS, TYPE I, SOMATIC; Neurofibromatosis, type I. Identifiers: Orphanet 636, MedGen C0027831, MONDO:0018975, OMIM 162200. Disease mechanism: loss of function.

Submission:

Labcorp Genetics (formerly Invitae), Labcorp
Classification: Pathogenic for Neurofibromatosis, type 1. Last evaluated: 2020-05-25. Review status: criteria provided, single submitter. Criteria: Invitae Variant Classification Sherloc (09022015). Collection method: clinical testing. Allele origin: germline.
Comment: Loss-of-function variants in NF1 are known to be pathogenic (PMID: 10712197, 23913538). For these reasons, this variant has been classified as Pathogenic. This sequence change creates a premature translational stop signal (p.Leu1712*) in the NF1 gene. It is expected to result in an absent or disrupted protein product. This variant is not present in population databases (ExAC no frequency). This variant has been observed in individual(s) with clinical features of neurofibromatosis type 1 (PMID: 25325900). This variant is also known as NF1 c.5198T>G (p.Leu1733*) in the literature.

Literature cited by the submitters: PubMed 10712197; PubMed 23913538; PubMed 25325900.

NM_001042492.3(NF1):c.5198T>G (p.Leu1733Ter)

Gene: NF1 (neurofibromin 1; plus strand). Cytogenetic location: 17q11.2.
Variant type: single nucleotide variant.
Coding change: c.5198T>G on transcript NM_001042492.3 (MANE Select); coding-DNA position 5198, T replaced by G.
Protein change: p.Leu1733Ter; replaces leucine 1733 with a stop codon.
Molecular consequence: nonsense.
Genome position (GRCh38, 1-based): chr17:31,326,182, T>G. VCF-style: chr17-31326182-T-G. GRCh37 (hg19) VCF-style: chr17-29653200-T-G.
Other names: c.5135T>G, p.Leu1712Ter (NM_000267.4); short protein forms L1712*, L1733*.
Identifiers: ClinVar variation 1076065 (VCV001076065.5), dbSNP rs2069336790, ClinGen allele CA399008050.